The following is an entry in ClinVar:

NM_000748.3(CHRNB2):c.1282G>A (p.Val428Met)

Gene: CHRNB2 (cholinergic receptor nicotinic beta 2 subunit; plus strand). Cytogenetic location: 1q21.3.
Variant type: single nucleotide variant.
Coding change: c.1282G>A on transcript NM_000748.3 (MANE Select); coding-DNA position 1282, G replaced by A.
Protein change: p.Val428Met; replaces valine 428 with methionine.
Molecular consequence: missense variant.
Genome position (GRCh38, 1-based): chr1:154,572,105, G>A. VCF-style: chr1-154572105-G-A. GRCh37 (hg19) VCF-style: chr1-154544581-G-A.
Other names: c.1282G>A (NM_000748.2); short protein forms V428M.
Identifiers: ClinVar variation 1908144 (VCV001908144.6), dbSNP rs1243550130, ClinGen allele CA342631845.

ClinVar aggregate classification (germline): Uncertain significance. Review status: criteria provided, multiple submitters, no conflicts (2 of 4 stars). 2 submissions from 2 submitters: Uncertain significance (2). Last evaluated 2025-08-14.

Conditions:
Inborn genetic diseases. Identifiers: MedGen C0950123, MeSH D030342.
Familial sleep-related hypermotor epilepsy. Also called: Autosomal Dominant Sleep-Related Hypermotor (Hyperkinetic) Epilepsy. Identifiers: Orphanet 98784, MedGen C3696898, MONDO:0000030.

gnomAD v4.1: 4 of 1,536,992 alleles (0.00026%); highest among the groups gnomAD compares: Admixed American, 0.002%; no homozygotes.

Submissions (2):

Ambry Genetics
Classification: Uncertain significance for Inborn genetic diseases. Last evaluated: 2025-08-14. Review status: criteria provided, single submitter. Criteria: Ambry Variant Classification Scheme 2023. Collection method: clinical testing. Allele origin: germline.

Labcorp Genetics (formerly Invitae), Labcorp
Classification: Uncertain significance. Last evaluated: 2024-09-09. Review status: criteria provided, single submitter. Criteria: Invitae Variant Classification Sherloc (09022015). Collection method: clinical testing. Allele origin: germline.
Comment: This sequence change replaces valine, which is neutral and non-polar, with methionine, which is neutral and non-polar, at codon 428 of the CHRNB2 protein (p.Val428Met). The frequency data for this variant in the population databases is considered unreliable, as metrics indicate poor data quality at this position in the gnomAD database. This variant has not been reported in the literature in individuals affected with CHRNB2-related conditions. ClinVar contains an entry for this variant (Variation ID: 1908144). Invitae Evidence Modeling of protein sequence and biophysical properties (such as structural, functional, and spatial information, amino acid conservation, physicochemical variation, residue mobility, and thermodynamic stability) indicates that this missense variant is not expected to disrupt CHRNB2 protein function with a negative predictive value of 80%. In summary, the available evidence is currently insufficient to determine the role of this variant in disease. Therefore, it has been classified as a Variant of Uncertain Significance.